The following is an entry in ClinVar:

ClinVar aggregate classification (germline): Likely pathogenic (1 of 4 stars; one submission).

Conditions:
Hereditary cancer-predisposing syndrome. Also called: Tumor predisposition; Neoplastic Syndromes, Hereditary; Hereditary neoplastic syndrome; Hereditary Cancer Syndrome. Identifiers: Orphanet 140162, MedGen C0027672, MeSH D009386, MONDO:0015356.

Submission:

GeneKor MSA
Classification: Likely pathogenic for Hereditary cancer-predisposing syndrome. Last evaluated: 2025-06-25. Review status: criteria provided, single submitter. Criteria: ACMG Guidelines, 2015. Collection method: clinical testing. Allele origin: germline. Affected: no.
Comment: This sequence change deletes one base from exon 16 of the APC mRNA (c.1960delC), causing a frameshift after codon 654 and the creation of a premature translation stop signal 3 amino acid residues later - p.(Gln654Lysfs*3). Truncating variants in APC are known to be pathogenic (PMID:17963004, 20685668). This mutation is not present in population databases. Based on the classification criteria set by the ACMG and AMP (PMID:25741868) this variant has been classified as likely pathogenic.

Literature cited by the submitters: PubMed 17963004; PubMed 20685668.

NM_000038.6(APC):c.1960del (p.Gln654fs)

Gene: APC (APC regulator of Wnt signaling pathway; plus strand). Cytogenetic location: 5q22.2.
Variant type: Deletion.
Coding change: c.1960del on transcript NM_000038.6 (MANE Select); coding-DNA position 1960, one base deleted (C; older notation c.1960delC).
Protein change: p.Gln654fs; shifts the reading frame from glutamine 654.
Molecular consequence: frameshift variant. On other transcripts: non-coding transcript variant (2).
Genome position (GRCh38, 1-based): chr5:112,837,554, C deleted. VCF-style (leftmost placement, unchanged base first): chr5-112837553-GC-G. GRCh37 (hg19) VCF-style: chr5-112173250-GC-G.
Other names: c.1960delC (NM_000038.6); c.808del, p.Gln270fs (NM_001407471.1, NM_001407472.1); c.1960del, p.Gln654fs (NM_001127510.3, NM_001354895.2, NM_001407450.1); c.1906del, p.Gln636fs (NM_001127511.3); c.2014del, p.Gln672fs (NM_001354896.2, NM_001407447.1, NM_001407448.1 and 1 more transcripts); c.1990del, p.Gln664fs (NM_001354897.2); c.1885del, p.Gln629fs (NM_001354898.2); c.1876del, p.Gln626fs (NM_001354899.2); and 12 more; short protein forms Q270fs, Q371fs, Q494fs, Q525fs, Q528fs, Q553fs, Q563fs, Q571fs.
Identifiers: ClinVar variation 4077023 (VCV004077023.1).